The following is an entry in ClinVar:

NM_000512.5(GALNS):c.567-2A>T

Gene: GALNS (galactosamine (N-acetyl)-6-sulfatase; minus strand). Cytogenetic location: 16q24.3.
Variant type: single nucleotide variant.
Coding change: c.567-2A>T on transcript NM_000512.5 (MANE Select); the canonical splice acceptor site of the intron before coding-DNA position 567, A replaced by T.
Molecular consequence: splice acceptor variant.
Genome position (GRCh38, 1-based): chr16:88,836,269, T>A on the plus strand (A>T on the coding strand, the complement: GALNS is on the minus strand). VCF-style: chr16-88836269-T-A. GRCh37 (hg19) VCF-style: chr16-88902677-T-A.
Other names: c.12-2A>T (NM_001323543.2); c.585-2A>T (NM_001323544.2).
Identifiers: ClinVar variation 4886996 (VCV004886996.1).

ClinVar aggregate classification (germline): Pathogenic (1 of 4 stars; one submission).

Conditions:
Mucopolysaccharidosis, MPS-IV-A (MPS4A). Also called: MORQUIO SYNDROME A; GALACTOSAMINE-6-SULFATASE DEFICIENCY; GALNS DEFICIENCY; MORQUIO A DISEASE; MPS IVA; Mucopolysaccharidosis type IV A. Identifiers: Orphanet 309297, Orphanet 582, MedGen C0086651, MONDO:0009659, OMIM 253000.

Submission:

Department of Genetics and Endocrinology, Guangzhou Women and Children’s Medical Center
Classification: Pathogenic for Mucopolysaccharidosis, MPS-IV-A. Last evaluated: 2026-08-20. Review status: criteria provided, single submitter. Criteria: ACMG Guidelines, 2015. Collection method: clinical testing. Allele origin: germline. Affected: yes.
Comment: PVS1: splicing variant at acceptor site (-2A>T) of intron 5, predicted to disrupt 3' splice site recognition; PM2: absent from population databases (gnomAD); PP4: patient phenotype is highly specific for MPS IVA.